The following is an entry in ClinVar:

ClinVar aggregate classification (germline): Uncertain significance (1 of 4 stars; one submission).

gnomAD v4.1: 1 of 1,613,960 alleles (0.000062%); highest among the groups gnomAD compares: Non-Finnish European, 0.000085%; no homozygotes.

Submission:

Labcorp Genetics (formerly Invitae), Labcorp
Classification: Uncertain significance. Last evaluated: 2022-07-06. Review status: criteria provided, single submitter. Criteria: Invitae Variant Classification Sherloc (09022015). Collection method: clinical testing. Allele origin: germline.
Comment: This sequence change replaces glycine, which is neutral and non-polar, with tryptophan, which is neutral and slightly polar, at codon 1748 of the ABCA4 protein (p.Gly1748Trp). The frequency data for this variant in the population databases is considered unreliable, as metrics indicate poor data quality at this position in the gnomAD database. This variant has not been reported in the literature in individuals affected with ABCA4-related conditions. Algorithms developed to predict the effect of missense changes on protein structure and function (SIFT, PolyPhen-2, Align-GVGD) all suggest that this variant is likely to be disruptive. This variant disrupts the p.Gly1748 amino acid residue in ABCA4. Other variant(s) that disrupt this residue have been observed in individuals with ABCA4-related conditions (PMID: 10958763, 29847651), which suggests that this may be a clinically significant amino acid residue. In summary, the available evidence is currently insufficient to determine the role of this variant in disease. Therefore, it has been classified as a Variant of Uncertain Significance.

Literature cited by the submitters: PubMed 10958763; PubMed 29847651.

NM_000350.3(ABCA4):c.5242G>T (p.Gly1748Trp)

Gene: ABCA4 (ATP binding cassette subfamily A member 4; minus strand). Cytogenetic location: 1p22.1.
Variant type: single nucleotide variant.
Coding change: c.5242G>T on transcript NM_000350.3 (MANE Select); coding-DNA position 5242, G replaced by T.
Protein change: p.Gly1748Trp; replaces glycine 1748 with tryptophan.
Molecular consequence: missense variant.
Genome position (GRCh38, 1-based): chr1:94,015,809, C>A on the plus strand (G>T on the coding strand, the complement: ABCA4 is on the minus strand). VCF-style: chr1-94015809-C-A. GRCh37 (hg19) VCF-style: chr1-94481365-C-A.
Other names: c.5020G>T, p.Gly1674Trp (NM_001425324.1); short protein forms G1748W, G1674W.
Identifiers: ClinVar variation 1939425 (VCV001939425.5), dbSNP rs61753025, ClinGen allele CA957334.